The following is an entry in ClinVar:

ClinVar aggregate classification (germline): Uncertain significance. Review status: criteria provided, multiple submitters, no conflicts (2 of 4 stars). 5 submissions from 5 submitters: Uncertain significance (5). Last evaluated 2024-06-04.

Conditions:
Inborn genetic diseases. Identifiers: MedGen C0950123, MeSH D030342.
Spinocerebellar ataxia type 5 (SCA5). Identifiers: Orphanet 98766, MedGen C0752123, MONDO:0010848, OMIM 600224.

Allele frequency attached by ClinVar (database versions not stated): gnomAD 0.00001; gnomAD exomes 0.00001; TOPMed 0.00001; ExAC 0.00003; ESP Exome Variant Server 0.00008.
gnomAD v4.1: 21 of 1,613,866 alleles (0.0013%); highest among the groups gnomAD compares: Admixed American, 0.0033%; no homozygotes.

Submissions (5):

GeneDx
Classification: Uncertain significance. Last evaluated: 2024-06-04. Review status: criteria provided, single submitter. Criteria: GeneDx Variant Classification Process June 2021. Collection method: clinical testing. Allele origin: germline. Affected: yes.
Comment: Not observed at significant frequency in large population cohorts (gnomAD); In silico analysis indicates that this missense variant does not alter protein structure/function; Has not been previously published as pathogenic or benign to our knowledge

Mayo Clinic Laboratories, Mayo Clinic
Classification: Uncertain significance. Last evaluated: 2023-10-10. Review status: criteria provided, single submitter. Criteria: ACMG Guidelines, 2015. Collection method: clinical testing. Allele origin: germline. Observed: 1 variant allele.
Comment: BP4

Ambry Genetics
Classification: Uncertain significance for Inborn genetic diseases. Last evaluated: 2022-05-01. Review status: criteria provided, single submitter. Criteria: Ambry Variant Classification Scheme 2023. Collection method: clinical testing. Allele origin: germline.

Foundation for Research in Genetics and Endocrinology, FRIGE's Institute of Human Genetics
Classification: Uncertain significance for Spinocerebellar ataxia type 5. Last evaluated: 2021-11-03. Review status: criteria provided, single submitter. Criteria: ACMG Guidelines, 2015. Collection method: clinical testing. Allele origin: germline. Inheritance: Autosomal dominant inheritance. Affected: yes. Observed: 1 heterozygote.
Comment: A heterozygous missense variation in exon 36 of the SPTBN2 gene that results in the amino acid substitution of Methionine for Valine at codon 2246 was detected. The observed variant c.6736G>A (p.Val2246Met) has not been reported in the 1000 genomes and has a minor allele frequency of 0.001% in the 1000 genomes database. The in silico prediction of the variant is damaging by LRT. The reference codon is conserved across species. In summary, the variant meets our criteria to be classified as a variant of uncertain significance.

Athena Diagnostics
Classification: Uncertain significance. Last evaluated: 2017-04-19. Review status: criteria provided, single submitter. Criteria: Athena Diagnostics Criteria. Collection method: clinical testing. Allele origin: germline.

NM_006946.4(SPTBN2):c.6736G>A (p.Val2246Met)

Gene: SPTBN2 (spectrin beta, non-erythrocytic 2; minus strand). Cytogenetic location: 11q13.2.
Variant type: single nucleotide variant.
Coding change: c.6736G>A on transcript NM_006946.4 (MANE Select); coding-DNA position 6736, G replaced by A.
Protein change: p.Val2246Met; replaces valine 2246 with methionine.
Molecular consequence: missense variant.
Genome position (GRCh38, 1-based): chr11:66,687,154, C>T on the plus strand (G>A on the coding strand, the complement: SPTBN2 is on the minus strand). VCF-style: chr11-66687154-C-T. GRCh37 (hg19) VCF-style: chr11-66454625-C-T.
Other names: c.6736G>A (NM_006946.3); short protein forms V2246M.
Identifiers: ClinVar variation 448523 (VCV000448523.8), dbSNP rs369469000, ClinGen allele CA6127799.